The following is an entry in ClinVar:

NM_005529.7(HSPG2):c.5624T>C (p.Leu1875Pro)

Gene: HSPG2 (heparan sulfate proteoglycan 2; minus strand). Cytogenetic location: 1p36.12.
Variant type: single nucleotide variant.
Coding change: c.5624T>C on transcript NM_005529.7 (MANE Select); coding-DNA position 5624, T replaced by C.
Protein change: p.Leu1875Pro; replaces leucine 1875 with proline.
Molecular consequence: missense variant.
Genome position (GRCh38, 1-based): chr1:21,855,864, A>G on the plus strand (T>C on the coding strand, the complement: HSPG2 is on the minus strand). VCF-style: chr1-21855864-A-G. GRCh37 (hg19) VCF-style: chr1-22182357-A-G.
Other names: c.5627T>C, p.Leu1876Pro (NM_001291860.2); short protein forms L1876P, L1875P.
Identifiers: ClinVar variation 2041054 (VCV002041054.4), dbSNP rs2550695593, ClinGen allele CA338939270.
Genomic context (GRCh38, chr1:21,855,864, plus strand): 5'-GGCGTGGGGCTCCCTGTGGCGCTGCAGCGGAACTCCGCCAGTTGCCCGGGCTGCACTGTG[A>G]GCTGTGGCGGATGGATGGAGACCACGGGGGCGGACAAGGTGCCCGAGGCTGACAAGGGAG-3'
Protein context (NP_005520.4, residues 1865-1885): APVVSIHPPQ[Leu1875Pro]TVQPGQLAEF

ClinVar aggregate classification (germline): Uncertain significance (1 of 4 stars; one submission).

Submission:

Labcorp Genetics (formerly Invitae), Labcorp
Classification: Uncertain significance. Last evaluated: 2021-12-12. Review status: criteria provided, single submitter. Criteria: Invitae Variant Classification Sherloc (09022015). Collection method: clinical testing. Allele origin: germline.
Comment: In summary, the available evidence is currently insufficient to determine the role of this variant in disease. Therefore, it has been classified as a Variant of Uncertain Significance. Algorithms developed to predict the effect of missense changes on protein structure and function (SIFT, PolyPhen-2, Align-GVGD) all suggest that this variant is likely to be tolerated. This variant has not been reported in the literature in individuals affected with HSPG2-related conditions. This variant is not present in population databases (gnomAD no frequency). This sequence change replaces leucine, which is neutral and non-polar, with proline, which is neutral and non-polar, at codon 1875 of the HSPG2 protein (p.Leu1875Pro).